The following is an entry in ClinVar:

ClinVar aggregate classification (germline): Likely benign. Review status: criteria provided, multiple submitters, no conflicts (2 of 4 stars). 3 submissions from 3 submitters: Likely benign (2). 1 of the submissions does not count toward it. Last evaluated 2025-07-07.

Conditions:
PEX1-related disorder. Also called: PEX1-related condition.
Zellweger spectrum disorders (ZS). Also called: Zellweger syndrome; Zellweger Spectrum Disorder; Zellweger Spectrum; Zellweger Spectrum Disorder (ZSD). Identifiers: Orphanet 912, MedGen C0043459, MONDO:0019609.

Allele frequency attached by ClinVar (database versions not stated): gnomAD exomes 0.00001; gnomAD 0.00003; TOPMed 0.00003.

Submissions (3):

PreventionGenetics, part of Exact Sciences
Classification: Likely benign for PEX1-related condition. Last evaluated: 2025-07-07. Review status: criteria provided, single submitter. Criteria: ACMG Guidelines, 2015. Collection method: clinical testing. Allele origin: germline.
Comment: This variant is classified as likely benign based on ACMG/AMP sequence variant interpretation guidelines (Richards et al. 2015 PMID: 25741868, with internal and published modifications).

Labcorp Genetics (formerly Invitae), Labcorp
Classification: Likely benign for Zellweger spectrum disorders. Last evaluated: 2023-05-02. Review status: criteria provided, single submitter. Criteria: Invitae Variant Classification Sherloc (09022015). Collection method: clinical testing. Allele origin: germline.

Natera, Inc.
Classification: Likely benign for Zellweger syndrome. Last evaluated: 2018-06-11. Review status: no assertion criteria provided. Collection method: clinical testing. Allele origin: germline. Not counted in ClinVar's aggregate classification.

NM_000466.3(PEX1):c.1281T>C (p.His427=)

Gene: PEX1 (peroxisomal biogenesis factor 1; minus strand). Cytogenetic location: 7q21.2.
Variant type: single nucleotide variant.
Coding change: c.1281T>C on transcript NM_000466.3 (MANE Select); coding-DNA position 1281, T replaced by C.
Protein change: p.His427=; no amino-acid change (histidine 427 retained).
Molecular consequence: synonymous variant.
Genome position (GRCh38, 1-based): chr7:92,513,926, A>G on the plus strand (T>C on the coding strand, the complement: PEX1 is on the minus strand). VCF-style: chr7-92513926-A-G. GRCh37 (hg19) VCF-style: chr7-92143240-A-G.
Other names: c.1281T>C (NM_000466.2); c.1281T>C, p.His427= (NM_001282677.2); c.657T>C, p.His219= (NM_001282678.2).
Identifiers: ClinVar variation 1122820 (VCV001122820.15), dbSNP rs979077056, ClinGen allele CA161970658.
Genomic context (GRCh38, chr7:92,513,926, plus strand): 5'-TAACTTTAGAGATCTTGGAATTTTAGGGGTAACTTCCACTGGAGTTATCCTGACTACGGC[A>G]TGCATTTCTATATTTAGTCTCTTCCTCAGGTCATCTGGAATCTGAAATTTAAAAATAAAC-3'
Protein context (NP_000457.1, residues 417-437): DLRKRLNIEM[His427=]AVVRITPVEV